The following is an entry in ClinVar:

NM_003282.4(TNNI2):c.190C>T (p.Leu64Phe)

Gene: TNNI2 (troponin I2, fast skeletal type; plus strand). Cytogenetic location: 11p15.5.
Variant type: single nucleotide variant.
Coding change: c.190C>T on transcript NM_003282.4 (MANE Select); coding-DNA position 190, C replaced by T.
Protein change: p.Leu64Phe; replaces leucine 64 with phenylalanine.
Molecular consequence: missense variant.
Genome position (GRCh38, 1-based): chr11:1,840,822, C>T. VCF-style: chr11-1840822-C-T. GRCh37 (hg19) VCF-style: chr11-1862052-C-T.
Other names: c.190C>T, p.Leu64Phe (NM_001145829.2, NM_001145841.2); short protein forms L64F.
Identifiers: ClinVar variation 429720 (VCV000429720.6), dbSNP rs905245877, ClinGen allele CA216205414.

ClinVar aggregate classification (germline): Uncertain significance. Review status: criteria provided, multiple submitters, no conflicts (2 of 4 stars). 2 submissions from 2 submitters: Uncertain significance (2). Last evaluated 2024-11-15.

Conditions:
Inborn genetic diseases. Identifiers: MedGen C0950123, MeSH D030342.

Allele frequency attached by ClinVar (database versions not stated): gnomAD 0.00001; TOPMed 0.00001; gnomAD exomes 0.00002.
gnomAD v4.1: 22 of 1,612,150 alleles (0.0014%); highest among the groups gnomAD compares: Non-Finnish European, 0.0019%; no homozygotes.

Submissions (2):

Ambry Genetics
Classification: Uncertain significance for Inborn genetic diseases. Last evaluated: 2024-11-15. Review status: criteria provided, single submitter. Criteria: Ambry Variant Classification Scheme 2023. Collection method: clinical testing. Allele origin: germline.

GeneDx
Classification: Uncertain significance. Last evaluated: 2022-10-25. Review status: criteria provided, single submitter. Criteria: GeneDx Variant Classification Process June 2021. Collection method: clinical testing. Allele origin: germline. Affected: yes.
Comment: Not observed at significant frequency in large population cohorts (gnomAD); Missense variants in this gene are often considered pathogenic (HGMD); In silico analysis supports that this missense variant has a deleterious effect on protein structure/function; Has not been previously published as pathogenic or benign to our knowledge